The following is an entry in ClinVar:

NM_003801.4(GPAA1):c.390C>G (p.Tyr130Ter)

Gene: GPAA1 (glycosylphosphatidylinositol anchor attachment 1; plus strand). Cytogenetic location: 8q24.3.
Variant type: single nucleotide variant.
Coding change: c.390C>G on transcript NM_003801.4 (MANE Select); coding-DNA position 390, C replaced by G.
Protein change: p.Tyr130Ter; replaces tyrosine 130 with a stop codon.
Molecular consequence: nonsense.
Genome position (GRCh38, 1-based): chr8:144,083,737, C>G. VCF-style: chr8-144083737-C-G. GRCh37 (hg19) VCF-style: chr8-145138640-C-G.
Other names: short protein forms Y130*.
Identifiers: ClinVar variation 2074613 (VCV002074613.4), dbSNP rs368478276, ClinGen allele CA4932811.
Genomic context (GRCh38, chr8:144,083,737, plus strand): 5'-GTTACACTGAGGCTCCCCCCACCGATGCTGCATACAGATGGTGTCGGGCACCAACGTGTA[C>G]GGCATCCTGCGGGCCCCGCGTGCTGCCAGCACCGAGTCGCTTGTGCTCACCGTGCCCTGT-3'

ClinVar aggregate classification (germline): Pathogenic (1 of 4 stars; one submission).

Allele frequency attached by ClinVar (database versions not stated): ExAC 0.00001; ESP Exome Variant Server 0.00008.

Submission:

Labcorp Genetics (formerly Invitae), Labcorp
Classification: Pathogenic. Last evaluated: 2022-01-04. Review status: criteria provided, single submitter. Criteria: Invitae Variant Classification Sherloc (09022015). Collection method: clinical testing. Allele origin: germline.
Comment: For these reasons, this variant has been classified as Pathogenic. Algorithms developed to predict the effect of sequence changes on RNA splicing suggest that this variant may create or strengthen a splice site. This variant has not been reported in the literature in individuals affected with GPAA1-related conditions. This variant is present in population databases (rs368478276, gnomAD 0.007%). This sequence change creates a premature translational stop signal (p.Tyr130*) in the GPAA1 gene. It is expected to result in an absent or disrupted protein product. Loss-of-function variants in GPAA1 are known to be pathogenic (PMID: 29100095).

Literature cited by the submitters: PubMed 29100095.